The following is an entry in ClinVar:

ClinVar aggregate classification (germline): Uncertain significance (1 of 4 stars; one submission).

Conditions:
Early-infantile DEE. Also called: Early infantile epileptic encephalopathy with suppression bursts; Early infantile epileptic encephalopathy; Ohtahara syndrome. Identifiers: Orphanet 1934, MedGen C0393706, MONDO:0800491.

Submission:

Labcorp Genetics (formerly Invitae), Labcorp
Classification: Uncertain significance for Early-infantile DEE. Last evaluated: 2025-08-21. Review status: criteria provided, single submitter. Criteria: Invitae Variant Classification Sherloc (09022015). Collection method: clinical testing. Allele origin: germline.
Comment: This sequence change replaces glutamine, which is neutral and polar, with arginine, which is basic and polar, at codon 164 of the KCNH5 protein (p.Gln164Arg). This variant is not present in population databases (gnomAD no frequency). This variant has not been reported in the literature in individuals affected with KCNH5-related conditions. ClinVar contains an entry for this variant (Variation ID: 1721239). Invitae Evidence Modeling of protein sequence and biophysical properties (such as structural, functional, and spatial information, amino acid conservation, physicochemical variation, residue mobility, and thermodynamic stability) indicates that this missense variant is not expected to disrupt KCNH5 protein function with a negative predictive value of 80%. In summary, the available evidence is currently insufficient to determine the role of this variant in disease. Therefore, it has been classified as a Variant of Uncertain Significance.

NM_139318.5(KCNH5):c.491A>G (p.Gln164Arg)

Gene: KCNH5 (potassium voltage-gated channel subfamily H member 5; minus strand). Cytogenetic location: 14q23.2.
Variant type: single nucleotide variant.
Coding change: c.491A>G on transcript NM_139318.5 (MANE Select); coding-DNA position 491, A replaced by G.
Protein change: p.Gln164Arg; replaces glutamine 164 with arginine.
Molecular consequence: missense variant.
Genome position (GRCh38, 1-based): chr14:62,987,130, T>C on the plus strand (A>G on the coding strand, the complement: KCNH5 is on the minus strand). VCF-style: chr14-62987130-T-C. GRCh37 (hg19) VCF-style: chr14-63453848-T-C.
Other names: c.491A>G, p.Gln164Arg (NM_172375.3); short protein forms Q164R.
Identifiers: ClinVar variation 1721239 (VCV001721239.5), dbSNP rs2503052464, ClinGen allele CA390104810.
Genomic context (GRCh38, chr14:62,987,130, plus strand): 5'-ACTTCAGCTAGTCTTGAATGTTTATGGACCACCTCTGTTTTATTCATTGGCGTGAGCTGC[T>C]GCAAAACACTTCGGCTATTTGTCAAAGCCCGTGTCAATCGGGCAAATTTCGTCCAACCTT-3'
Protein context (NP_647479.2, residues 154-174): RALTNSRSVL[Gln164Arg]QLTPMNKTEV